The following is an entry in ClinVar:

ClinVar aggregate classification (germline): Uncertain significance. Review status: criteria provided, multiple submitters, no conflicts (2 of 4 stars). 9 submissions from 9 submitters: Uncertain significance (8). 1 of the submissions does not count toward it. Last evaluated 2025-07-11.

Conditions:
Inborn genetic diseases. Identifiers: MedGen C0950123, MeSH D030342.
Self-limited epilepsy with centrotemporal spikes. Also called: Rolandic epilepsy; Childhood epilepsy with centrotemporal spikes. Identifiers: Orphanet 1945, MedGen C0376532, MONDO:0007295.
Cortical dysplasia-focal epilepsy syndrome (PTHSL1). Also called: Pitt-Hopkins-like syndrome 1. Identifiers: Orphanet 163681, Orphanet 221150, MedGen C2750246, MONDO:0012400, OMIM 610042.

Allele frequency attached by ClinVar (database versions not stated): gnomAD 0.00001 and 0.00002; ExAC 0.00002; TOPMed 0.00003.
gnomAD v4.1: 38 of 1,614,044 alleles (0.0024%); highest among the groups gnomAD compares: Middle Eastern, 0.016%; no homozygotes.

Submissions (9):

GeneDx
Classification: Uncertain significance. Last evaluated: 2025-07-11. Review status: criteria provided, single submitter. Criteria: GeneDx Variant Classification Process June 2021. Collection method: clinical testing. Allele origin: germline. Affected: yes.
Comment: Reported previously in a cohort of patients with Rolandic epilepsy and atypical Rolandic epilepsy and not seen in controls; however, no further clinical information was provided (PMID: 29358611); Not observed at significant frequency in large population cohorts (gnomAD); In silico analysis supports that this missense variant has a deleterious effect on protein structure/function; This variant is associated with the following publications: (PMID: 29358611)

Mayo Clinic Laboratories, Mayo Clinic
Classification: Uncertain significance. Last evaluated: 2024-12-20. Review status: criteria provided, single submitter. Criteria: ACMG Guidelines, 2015. Collection method: clinical testing. Allele origin: germline. Observed: 1 variant allele.

Women's Health and Genetics/Laboratory Corporation of America, LabCorp
Classification: Uncertain significance. Last evaluated: 2024-04-26. Review status: criteria provided, single submitter. Criteria: LabCorp Variant Classification Summary - May 2015. Collection method: clinical testing. Allele origin: germline.
Comment: Variant summary: CNTNAP2 c.3577G>A (p.Ala1193Thr) results in a non-conservative amino acid change located in the Laminin G domain (IPR001791) of the encoded protein sequence. Five of five in-silico tools predict a damaging effect of the variant on protein function. The variant allele was found at a frequency of 3.6e-05 in 251462 control chromosomes. The available data on variant occurrences in the general population are insufficient to allow any conclusion about variant significance. c.3577G>A has been reported in the literature in individuals affected with focal epilepsy (Bobbili_2018). These report(s) do not provide unequivocal conclusions about association of the variant with Pitt-Hopkins-Like Syndrome 1. To our knowledge, no experimental evidence demonstrating an impact on protein function has been reported. The following publication has been ascertained in the context of this evaluation (PMID: 29358611). ClinVar contains an entry for this variant (Variation ID: 433107). Based on the evidence outlined above, the variant was classified as uncertain significance.

Labcorp Genetics (formerly Invitae), Labcorp
Classification: Uncertain significance for Cortical dysplasia-focal epilepsy syndrome. Last evaluated: 2022-07-17. Review status: criteria provided, single submitter. Criteria: Invitae Variant Classification Sherloc (09022015). Collection method: clinical testing. Allele origin: germline.
Comment: This sequence change replaces alanine, which is neutral and non-polar, with threonine, which is neutral and polar, at codon 1193 of the CNTNAP2 protein (p.Ala1193Thr). This variant is present in population databases (rs751491210, gnomAD 0.01%). This missense change has been observed in individual(s) with rolandic epilepsy (PMID: 29358611). This variant is also known as 148080842. ClinVar contains an entry for this variant (Variation ID: 433107). Algorithms developed to predict the effect of missense changes on protein structure and function are either unavailable or do not agree on the potential impact of this missense change (SIFT: "Deleterious"; PolyPhen-2: "Probably Damaging"; Align-GVGD: "Class C0"). In summary, the available evidence is currently insufficient to determine the role of this variant in disease. Therefore, it has been classified as a Variant of Uncertain Significance.

New York Genome Center
Classification: Uncertain significance for Cortical dysplasia-focal epilepsy syndrome. Last evaluated: 2020-06-11. Review status: criteria provided, single submitter. Criteria: NYGC Assertion Criteria 2020. Collection method: clinical testing. Allele origin: germline. Observed: 1 heterozygote. Study: CSER-NYCKidSeq.

Ambry Genetics
Classification: Uncertain significance for Inborn genetic diseases. Last evaluated: 2020-01-09. Review status: criteria provided, single submitter. Criteria: Ambry Variant Classification Scheme 2023. Collection method: clinical testing. Allele origin: germline.
Comment: The p.A1193T variant (also known as c.3577G>A), located in coding exon 22 of the CNTNAP2 gene, results from a G to A substitution at nucleotide position 3577. The alanine at codon 1193 is replaced by threonine, an amino acid with similar properties. This amino acid position is highly conserved in available vertebrate species. In addition, this alteration is predicted to be deleterious by in silico analysis. Since supporting evidence is limited at this time, the clinical significance of this alteration remains unclear.

Baylor Genetics
Classification: Uncertain significance for Cortical dysplasia-focal epilepsy syndrome. Last evaluated: 2018-11-28. Review status: criteria provided, single submitter. Criteria: ACMG Guidelines, 2015. Collection method: clinical testing. Allele origin: unknown. Affected: yes.
Comment: This variant was determined to be of uncertain significance according to ACMG Guidelines, 2015 [PMID:25741868].

Breakthrough Genomics
Classification: Uncertain significance. Review status: criteria provided, single submitter. Criteria: ACMG Guidelines, 2015. Collection method: not provided. Allele origin: germline. Inheritance: Autosomal recessive inheritance. Affected: yes.

Bioinformatics Core, Luxembourg Center for Systems Biomedicine
Classification: Pathogenic for Self-limited epilepsy with centrotemporal spikes. Last evaluated: 2017-01-01. Review status: no assertion criteria provided. Collection method: case-control. Allele origin: germline. Affected: yes. Study: EUROEPINOMICS COGIE. Not counted in ClinVar's aggregate classification.

Literature cited by the submitters: PubMed 29358611 (cited by 4 submitters).

NM_014141.6(CNTNAP2):c.3577G>A (p.Ala1193Thr)

Gene: CNTNAP2 (contactin associated protein 2; plus strand). Cytogenetic location: 7q36.1.
Variant type: single nucleotide variant.
Coding change: c.3577G>A on transcript NM_014141.6 (MANE Select); coding-DNA position 3577, G replaced by A.
Protein change: p.Ala1193Thr; replaces alanine 1193 with threonine.
Molecular consequence: missense variant.
Genome position (GRCh38, 1-based): chr7:148,383,750, G>A. VCF-style: chr7-148383750-G-A. GRCh37 (hg19) VCF-style: chr7-148080842-G-A.
Other names: p.Ala1193Thr; short protein forms A1193T.
Identifiers: ClinVar variation 433107 (VCV000433107.16), dbSNP rs751491210, ClinGen allele CA4546699.